The following is an entry in ClinVar:

ClinVar aggregate classification (germline): Likely benign. Review status: criteria provided, multiple submitters, no conflicts (2 of 4 stars). 3 submissions from 3 submitters: Likely benign (2). 1 of the submissions does not count toward it. Last evaluated 2025-12-14.

Conditions:
TTC21B-related disorder. Also called: TTC21B-related condition; TTC21B-related disorders.
Jeune thoracic dystrophy. Also called: Infantile thoracic dystrophy; Thoracic pelvic phalangeal dystrophy; Jeune's syndrome; Chondroectodermal dysplasia-like syndrome; Jeune syndrome; Short-rib thoracic dysplasia. Identifiers: Orphanet 474, MedGen C0265275, MONDO:0018770.
Nephronophthisis. Also called: Juvenile Nephronophthisis. Identifiers: Orphanet 655, MedGen C0687120, MONDO:0019005, HP:0000090.
Nephronophthisis 12 (NPHP12). Identifiers: Orphanet 655, MedGen C3151186, MONDO:0013442, OMIM 613820.
Asphyxiating thoracic dystrophy 4 (SRTD4). Also called: SHORT-RIB THORACIC DYSPLASIA 4 WITH OR WITHOUT POLYDACTYLY; SHORT-RIB THORACIC DYSPLASIA 4. Identifiers: Orphanet 474, MedGen C3151185, MONDO:0013441, OMIM 613819.

Allele frequency attached by ClinVar (database versions not stated): gnomAD exomes below 0.00001 and 0.00001; ExAC 0.00001; gnomAD 0.00004 and 0.00005; TOPMed 0.00006.
gnomAD v4.1: 13 of 1,613,832 alleles (0.00081%); highest among the groups gnomAD compares: Admixed American, 0.01%; no homozygotes.

Submissions (3):

Labcorp Genetics (formerly Invitae), Labcorp
Classification: Likely benign for Jeune thoracic dystrophy; Nephronophthisis. Last evaluated: 2025-12-14. Review status: criteria provided, single submitter. Criteria: Invitae Variant Classification Sherloc (09022015). Collection method: clinical testing. Allele origin: germline.

Fulgent Genetics
Classification: Likely benign for Asphyxiating thoracic dystrophy 4; Nephronophthisis 12. Last evaluated: 2022-02-23. Review status: criteria provided, single submitter. Criteria: ACMG Guidelines, 2015. Collection method: clinical testing. Allele origin: unknown.

PreventionGenetics, part of Exact Sciences
Classification: Likely benign for TTC21B-related condition. Last evaluated: 2020-03-27. Review status: no assertion criteria provided. Collection method: clinical testing. Allele origin: germline. Not counted in ClinVar's aggregate classification.
Comment: This variant is classified as likely benign based on ACMG/AMP sequence variant interpretation guidelines (Richards et al. 2015 PMID: 25741868, with internal and published modifications).

NM_024753.5(TTC21B):c.2398T>C (p.Leu800=)

Gene: TTC21B (tetratricopeptide repeat domain 21B; minus strand). Cytogenetic location: 2q24.3.
Variant type: single nucleotide variant.
Coding change: c.2398T>C on transcript NM_024753.5 (MANE Select); coding-DNA position 2398, T replaced by C.
Protein change: p.Leu800=; no amino-acid change (leucine 800 retained).
Molecular consequence: synonymous variant.
Genome position (GRCh38, 1-based): chr2:165,911,390, A>G on the plus strand (T>C on the coding strand, the complement: TTC21B is on the minus strand). VCF-style: chr2-165911390-A-G. GRCh37 (hg19) VCF-style: chr2-166767900-A-G.
Identifiers: ClinVar variation 700688 (VCV000700688.11), dbSNP rs781367281, ClinGen allele CA1941842.